The following is an entry in ClinVar:

NM_020163.3(SEMA3G):c.2122A>G (p.Lys708Glu)

Gene: SEMA3G (semaphorin 3G; minus strand). Cytogenetic location: 3p21.1.
Variant type: single nucleotide variant.
Coding change: c.2122A>G on transcript NM_020163.3 (MANE Select); coding-DNA position 2122, A replaced by G.
Protein change: p.Lys708Glu; replaces lysine 708 with glutamic acid.
Molecular consequence: missense variant.
Genome position (GRCh38, 1-based): chr3:52,435,830, T>C on the plus strand (A>G on the coding strand, the complement: SEMA3G is on the minus strand). VCF-style: chr3-52435830-T-C. GRCh37 (hg19) VCF-style: chr3-52469846-T-C.
Other names: c.2122A>G (NM_020163.2); short protein forms K708E.
Identifiers: ClinVar variation 4162137 (VCV004162137.2).

ClinVar aggregate classification (germline): Uncertain significance. Review status: criteria provided, multiple submitters, no conflicts (2 of 4 stars). 2 submissions from 2 submitters: Uncertain significance (2). Last evaluated 2025-09-08.

Conditions:
SEMA3G-related disorder. Also called: SEMA3G-related condition.

gnomAD v4.1: 16 of 1,613,936 alleles (0.00099%); highest among the groups gnomAD compares: Non-Finnish European, 0.0014%; no homozygotes.

Submissions (2):

PreventionGenetics, part of Exact Sciences
Classification: Uncertain significance for SEMA3G-related condition. Last evaluated: 2025-09-08. Review status: criteria provided, single submitter. Criteria: ACMG Guidelines, 2015. Collection method: clinical testing. Allele origin: germline.
Comment: The SEMA3G c.2122A>G variant is predicted to result in the amino acid substitution p.Lys708Glu. To our knowledge, this variant has not been reported in the literature. This variant is reported in 0.0044% of alleles in individuals of European (Non-Finnish) descent in gnomAD. At this time, the clinical significance of this variant is uncertain due to the absence of conclusive functional and genetic evidence.

Ambry Genetics
Classification: Uncertain significance. Last evaluated: 2025-08-25. Review status: criteria provided, single submitter. Criteria: Ambry Variant Classification Scheme 2023. Collection method: clinical testing. Allele origin: germline.